The following is an entry in ClinVar:

ClinVar aggregate classification (germline): Likely benign (0 of 4 stars; one submission).

Conditions:
DNAH17-related disorder. Also called: DNAH17-related condition.

Allele frequency attached by ClinVar (database versions not stated): ExAC 0.00001; gnomAD 0.00001; TOPMed 0.00002.
gnomAD v4.1: 11 of 1,612,600 alleles (0.00068%); highest among the groups gnomAD compares: Middle Eastern, 0.049%; no homozygotes.

Submission:

PreventionGenetics, part of Exact Sciences
Classification: Likely benign for DNAH17-related condition. Last evaluated: 2019-09-10. Review status: no assertion criteria provided. Collection method: clinical testing. Allele origin: germline.
Comment: This variant is classified as likely benign based on ACMG/AMP sequence variant interpretation guidelines (Richards et al. 2015 PMID: 25741868, with internal and published modifications).

NM_173628.4(DNAH17):c.5118C>T (p.Thr1706=)

Genes: DNAH17 (dynein axonemal heavy chain 17; minus strand), DNAH17-AS1 (DNAH17 antisense RNA 1; plus strand). Cytogenetic location: 17q25.3.
Variant type: single nucleotide variant.
Coding change: c.5118C>T on transcript NM_173628.4 (MANE Select); coding-DNA position 5118, C replaced by T.
Protein change: p.Thr1706=; no amino-acid change (threonine 1706 retained).
Molecular consequence: synonymous variant. On other transcripts: non-coding transcript variant (1).
Genome position (GRCh38, 1-based): chr17:78,502,663, G>A on the plus strand (C>T on the coding strand, the complement: DNAH17 is on the minus strand). VCF-style: chr17-78502663-G-A. GRCh37 (hg19) VCF-style: chr17-76498745-G-A.
Identifiers: ClinVar variation 3039803 (VCV003039803.2), dbSNP rs777159052, ClinGen allele CA8803418.